The following is an entry in ClinVar:

NM_018474.6(KIZ):c.1151A>T (p.Glu384Val)

Gene: KIZ (kizuna centrosomal protein; plus strand). Cytogenetic location: 20p11.23.
Variant type: single nucleotide variant.
Coding change: c.1151A>T on transcript NM_018474.6 (MANE Select); coding-DNA position 1151, A replaced by T.
Protein change: p.Glu384Val; replaces glutamic acid 384 with valine.
Molecular consequence: missense variant.
Genome position (GRCh38, 1-based): chr20:21,162,958, A>T. VCF-style: chr20-21162958-A-T. GRCh37 (hg19) VCF-style: chr20-21143599-A-T.
Other names: c.842A>T, p.Glu281Val (NM_001163022.3, NM_001352435.2); c.752A>T, p.Glu251Val (NM_001163023.3); c.1004A>T, p.Glu335Val (NM_001276389.2); c.1151A>T, p.Glu384Val (NM_001352434.2); c.809A>T, p.Glu270Val (NM_001352436.2); short protein forms E251V, E270V, E281V, E335V, E384V.
Identifiers: ClinVar variation 1056711 (VCV001056711.7), dbSNP rs773332864, ClinGen allele CA408493550.

ClinVar aggregate classification (germline): Uncertain significance (1 of 4 stars; one submission).

gnomAD v4.1: 1 of 1,613,756 alleles (0.000062%); highest among the groups gnomAD compares: African/African-American, 0.0013%; no homozygotes.

Submission:

Labcorp Genetics (formerly Invitae), Labcorp
Classification: Uncertain significance. Last evaluated: 2020-01-16. Review status: criteria provided, single submitter. Criteria: Invitae Variant Classification Sherloc (09022015). Collection method: clinical testing. Allele origin: germline.
Comment: In summary, the available evidence is currently insufficient to determine the role of this variant in disease. Therefore, it has been classified as a Variant of Uncertain Significance. Experimental studies and prediction algorithms are not available or were not evaluated, and the functional significance of this variant is currently unknown. This variant has not been reported in the literature in individuals with KIZ-related conditions. This variant is not present in population databases (ExAC no frequency). This sequence change replaces glutamic acid with valine at codon 384 of the KIZ protein (p.Glu384Val). The glutamic acid residue is highly conserved and there is a moderate physicochemical difference between glutamic acid and valine.